The following is an entry in ClinVar:

ClinVar aggregate classification (germline): Pathogenic. Review status: criteria provided, multiple submitters, no conflicts (2 of 4 stars). 2 submissions from 2 submitters: Pathogenic (2). Last evaluated 2024-05-14.

Conditions:
Primary ciliary dyskinesia. Also called: Ciliary dyskinesia. Identifiers: Orphanet 244, MedGen C0008780, MONDO:0016575, HP:0012265.
Primary ciliary dyskinesia 3. Identifiers: Orphanet 244, MedGen C1837618, MONDO:0012085, OMIM 608644.

Allele frequency attached by ClinVar (database versions not stated): TOPMed below 0.00001; gnomAD 0.00001; ESP Exome Variant Server 0.00008.

Submissions (2):

Myriad Genetics, Inc.
Classification: Pathogenic for Primary ciliary dyskinesia 3. Last evaluated: 2024-05-14. Review status: criteria provided, single submitter. Criteria: Myriad Autosomal Dominant, Autosomal Recessive and X-Linked Classification Criteria (2023). Collection method: clinical testing. Allele origin: unknown.
Comment: NM_001369.2(DNAH5):c.4464delT(S1488Rfs*4) is expected to be pathogenic in the context of primary ciliary dyskinesia, DNAH5-related. This variant is predicted to lead to an abnormal or absent protein product due to the creation of a premature termination codon in DNAH5, a gene where loss-of-function variants are known to be pathogenic. Please note: this variant was assessed in the context of healthy population screening.

Labcorp Genetics (formerly Invitae), Labcorp
Classification: Pathogenic for Primary ciliary dyskinesia. Last evaluated: 2023-05-14. Review status: criteria provided, single submitter. Criteria: Invitae Variant Classification Sherloc (09022015). Collection method: clinical testing. Allele origin: germline.
Comment: For these reasons, this variant has been classified as Pathogenic. This variant has not been reported in the literature in individuals affected with DNAH5-related conditions. This variant is not present in population databases (gnomAD no frequency). This sequence change creates a premature translational stop signal (p.Ser1488Argfs*4) in the DNAH5 gene. It is expected to result in an absent or disrupted protein product. Loss-of-function variants in DNAH5 are known to be pathogenic (PMID: 11788826, 16627867).

Literature cited by the submitters: PubMed 11788826 (cited by Labcorp Genetics (formerly Invitae), Labcorp); PubMed 16627867 (cited by Labcorp Genetics (formerly Invitae), Labcorp).

NM_001369.3(DNAH5):c.4464del (p.Ser1488fs)

Genes: DNAH5 (dynein axonemal heavy chain 5; minus strand), DNAH5-AS1 (DNAH5 antisense RNA 1; plus strand). Cytogenetic location: 5p15.2.
Variant type: Deletion.
Coding change: c.4464del on transcript NM_001369.3 (MANE Select); coding-DNA position 4464, one base deleted (T; older notation c.4464delT).
Protein change: p.Ser1488fs; shifts the reading frame from serine 1488.
Molecular consequence: frameshift variant.
Genome position (GRCh38, 1-based): chr5:13,864,529, A deleted on the plus strand (T on the coding strand, the reverse complement: DNAH5 is on the minus strand). VCF-style (leftmost placement, unchanged base first): chr5-13864528-TA-T. GRCh37 (hg19) VCF-style: chr5-13864637-TA-T.
Other names: short protein forms S1488fs.
Identifiers: ClinVar variation 2864239 (VCV002864239.4), dbSNP rs1464198654, ClinGen allele CA443534955.